The following is an entry in ClinVar:

NM_016013.4(NDUFAF1):c.136_138del (p.Pro46del)

Gene: NDUFAF1 (NADH:ubiquinone oxidoreductase complex assembly factor 1; minus strand). Cytogenetic location: 15q15.1.
Variant type: Deletion.
Coding change: c.136_138del on transcript NM_016013.4 (MANE Select); coding-DNA positions 136 to 138, 3 bases deleted (CCT; older notation c.136_138delCCT).
Protein change: p.Pro46del; deletes proline 46.
Molecular consequence: inframe deletion. On other transcripts: non-coding transcript variant (1).
Genome position (GRCh38, 1-based): chr15:41,396,922-41,396,924, AGG deleted on the plus strand (CCT on the coding strand, the reverse complement: NDUFAF1 is on the minus strand); deleting any 3 consecutive bases within chr15:41,396,922-41,396,926 gives the same sequence; the c. name uses the placement nearest the transcript's 3' end. VCF-style (leftmost placement, unchanged base first): chr15-41396921-CAGG-C. GRCh37 (hg19) VCF-style: chr15-41689119-CAGG-C.
Other names: short protein forms P46del.
Identifiers: ClinVar variation 2903581 (VCV002903581.3), dbSNP rs2550179694, ClinGen allele CA2627906767.

ClinVar aggregate classification (germline): Uncertain significance (1 of 4 stars; one submission).

Submission:

Labcorp Genetics (formerly Invitae), Labcorp
Classification: Uncertain significance. Last evaluated: 2024-10-22. Review status: criteria provided, single submitter. Criteria: Invitae Variant Classification Sherloc (09022015). Collection method: clinical testing. Allele origin: germline.
Comment: This variant, c.136_138del, results in the deletion of 1 amino acid(s) of the NDUFAF1 protein (p.Pro46del), but otherwise preserves the integrity of the reading frame. This variant is not present in population databases (gnomAD no frequency). This variant has not been reported in the literature in individuals affected with NDUFAF1-related conditions. Experimental studies and prediction algorithms are not available or were not evaluated, and the functional significance of this variant is currently unknown. In summary, the available evidence is currently insufficient to determine the role of this variant in disease. Therefore, it has been classified as a Variant of Uncertain Significance.